The following is an entry in ClinVar:

ClinVar aggregate classification (germline): Benign (1 of 4 stars; one submission).

Conditions:
Retinitis pigmentosa (RP). Identifiers: Orphanet 791, MedGen C0035334, MeSH D012174, MONDO:0019200, OMIM 268000. Inheritance: Autosomal dominant, autosomal recessive and X linked inheritance.

Allele frequency attached by ClinVar (database versions not stated): gnomAD 0.01447 and 0.01565; TOPMed 0.01639; 1000 Genomes Project 0.01737; 1000 Genomes Project 30x 0.01889.
gnomAD v4.1: 2,180 of 152,340 alleles (1.4%); highest among the groups gnomAD compares: African/African-American, 5%; 53 homozygotes.

Submission:

Illumina Laboratory Services, Illumina
Classification: Benign for Retinitis pigmentosa. Last evaluated: 2018-01-13. Review status: criteria provided, single submitter. Criteria: ICSL Variant Classification Criteria 13 December 2019. Collection method: clinical testing. Allele origin: germline.
Comment: This variant was observed in the ICSL laboratory as part of a predisposition screen in an ostensibly healthy population. It had not been previously curated by ICSL or reported in the Human Gene Mutation Database (HGMD: prior to June 1st, 2018), and was therefore a candidate for classification through an automated scoring system. Utilizing variant allele frequency, disease prevalence and penetrance estimates, and inheritance mode, an automated score was calculated to assess if this variant is too frequent to cause the disease. Based on the score and internal cut-off values, a variant classified as benign is not then subjected to further curation. The score for this variant resulted in a classification of benign for this disease.

NM_002098.6(GUCA1B):c.*1203T>C

Gene: GUCA1B (guanylate cyclase activator 1B; minus strand). Cytogenetic location: 6p21.1.
Variant type: single nucleotide variant.
Coding change: c.*1203T>C on transcript NM_002098.6 (MANE Select); 1203 bases downstream of the stop codon, T replaced by C.
Molecular consequence: 3 prime UTR variant.
Genome position (GRCh38, 1-based): chr6:42,183,612, A>G on the plus strand (T>C on the coding strand, the complement: GUCA1B is on the minus strand). VCF-style: chr6-42183612-A-G. GRCh37 (hg19) VCF-style: chr6-42151350-A-G.
Identifiers: ClinVar variation 356702 (VCV000356702.6), dbSNP rs75437254, ClinGen allele CA10626681.